The following is an entry in ClinVar:

NM_000235.4(LIPA):c.386A>C (p.His129Pro)

Gene: LIPA (lipase A, lysosomal acid type; minus strand). Cytogenetic location: 10q23.31.
Variant type: single nucleotide variant.
Coding change: c.386A>C on transcript NM_000235.4 (MANE Select); coding-DNA position 386, A replaced by C.
Protein change: p.His129Pro; replaces histidine 129 with proline.
Molecular consequence: missense variant.
Genome position (GRCh38, 1-based): chr10:89,228,242, T>G on the plus strand (A>C on the coding strand, the complement: LIPA is on the minus strand). VCF-style: chr10-89228242-T-G. GRCh37 (hg19) VCF-style: chr10-90987999-T-G.
Other names: c.386A>C, p.His129Pro (NM_001127605.3); c.38A>C, p.His13Pro (NM_001288979.2); short protein forms H129P, H13P.
Identifiers: ClinVar variation 695056 (VCV000695056.4), dbSNP rs1423914418, ClinGen allele CA377517819.

ClinVar aggregate classification (germline): Pathogenic/Likely pathogenic. Review status: criteria provided, multiple submitters, no conflicts (2 of 4 stars). 3 submissions from 3 submitters: Pathogenic (1); Likely pathogenic (2). Last evaluated 2026-04-28.

Conditions:
Cholesteryl ester storage disease (CESD). Also called: Childhood/Adult-Onset LAL-D (Cholesterol Ester Storage Disease [CESD]). Identifiers: Orphanet 75234, MedGen C0008384, MONDO:0019149, OMIM 278000.
Wolman disease (WOLD). Also called: LAL DEFICIENCY, COMPLETE; CHOLESTEROL ESTER HYDROLASE DEFICIENCY, COMPLETE; Wolman disease with hypolipoproteinemia and acanthocytosis; Wolman disease, CESD; Infantile-Onset LAL-D (Wolman Disease); LYSOSOMAL ACID LIPASE DEFICIENCY, ACUTE INFANTILE. Identifiers: Orphanet 75233, MedGen C0043208, MONDO:0019148, OMIM 620151.
Lysosomal acid lipase deficiency. Also called: Acid cholesteryl ester hydrolase deficiency, type 2. Identifiers: Orphanet 275761, MedGen C5574740, MONDO:0800449, MONDO:0010204.

gnomAD v4.1: 1 of 1,614,196 alleles (0.000062%); highest among the groups gnomAD compares: Non-Finnish European, 0.000085%; no homozygotes.

Submissions (3):

Myriad Genetics, Inc.
Classification: Likely pathogenic for Lysosomal acid lipase deficiency. Last evaluated: 2026-04-28. Review status: criteria provided, single submitter. Criteria: Myriad Autosomal Dominant, Autosomal Recessive and X-Linked Classification Criteria (2023). Collection method: clinical testing. Allele origin: unknown.
Comment: NM_000235.2(LIPA):c.386A>C(H129P) is a missense variant classified as likely pathogenic in the context of lysosomal acid lipase deficiency. H129P has been observed in cases with relevant disease (PMID: 9633819, 29958253). Relevant functional assessments of this variant are available in the literature (PMID: 9633819, 29196158, 31180157, 31180157). H129P has not been observed in referenced population frequency databases. In summary, NM_000235.2(LIPA):c.386A>C(H129P) is a missense variant that has functional support for pathogenicity and has been observed more frequently in cases with the relevant disease than in healthy populations. Please note: this variant was assessed in the context of healthy population screening.

Fulgent Genetics
Classification: Pathogenic for Cholesteryl ester storage disease; Wolman disease. Last evaluated: 2024-06-23. Review status: criteria provided, single submitter. Criteria: ACMG Guidelines, 2015. Collection method: clinical testing. Allele origin: germline.

Alexion, Astrazeneca Rare Disease, Astrazeneca
Classification: Likely pathogenic for Lysosomal acid lipase deficiency. Last evaluated: 2019-06-01. Review status: criteria provided, single submitter. Criteria: ACMG Guidelines, 2015. Collection method: research. Allele origin: germline. Affected: yes.
Comment: ACMG PS3 criterion ascertained by in-vitro functional study, PMID:31180157

Literature cited by the submitters: PubMed 29196158 (cited by Myriad Genetics, Inc.); PubMed 29958253 (cited by Myriad Genetics, Inc.); PubMed 31180157 (cited by Myriad Genetics, Inc. and Alexion, Astrazeneca Rare Disease, Astrazeneca); PubMed 9633819 (cited by Myriad Genetics, Inc.); PubMed 24792990 (cited by Alexion, Astrazeneca Rare Disease, Astrazeneca).